The following is an entry in ClinVar:

NM_000368.5(TSC1):c.1385T>C (p.Phe462Ser)

Gene: TSC1 (TSC complex subunit 1; minus strand). Cytogenetic location: 9q34.13.
Variant type: single nucleotide variant.
Coding change: c.1385T>C on transcript NM_000368.5 (MANE Select); coding-DNA position 1385, T replaced by C.
Protein change: p.Phe462Ser; replaces phenylalanine 462 with serine.
Molecular consequence: missense variant.
Genome position (GRCh38, 1-based): chr9:132,906,784, A>G on the plus strand (T>C on the coding strand, the complement: TSC1 is on the minus strand). VCF-style: chr9-132906784-A-G. GRCh37 (hg19) VCF-style: chr9-135782171-A-G.
Other names: c.1382T>C, p.Phe461Ser (NM_001162426.2); c.1232T>C, p.Phe411Ser (NM_001162427.2); c.1022T>C, p.Phe341Ser (NM_001362177.2); short protein forms F341S, F461S, F411S, F462S.
Identifiers: ClinVar variation 819057 (VCV000819057.4), dbSNP rs1588312788, ClinGen allele CA375365958.

ClinVar aggregate classification (germline): Uncertain significance (1 of 4 stars; one submission).

Conditions:
Hereditary cancer-predisposing syndrome. Also called: Tumor predisposition; Hereditary neoplastic syndrome; Neoplastic Syndromes, Hereditary; Hereditary Cancer Syndrome. Identifiers: Orphanet 140162, MedGen C0027672, MeSH D009386, MONDO:0015356.

Submission:

Ambry Genetics
Classification: Uncertain significance for Hereditary cancer-predisposing syndrome. Last evaluated: 2019-06-19. Review status: criteria provided, single submitter. Criteria: Ambry Variant Classification Scheme 2023. Collection method: clinical testing. Allele origin: germline.
Comment: The p.F462S variant (also known as c.1385T>C), located in coding exon 12 of the TSC1 gene, results from a T to C substitution at nucleotide position 1385. The phenylalanine at codon 462 is replaced by serine, an amino acid with highly dissimilar properties. This amino acid position is highly conserved in available vertebrate species. In addition, the in silico prediction for this alteration is inconclusive. Since supporting evidence is limited at this time, the clinical significance of this alteration remains unclear.